The following is an entry in ClinVar:

NM_006031.6(PCNT):c.8454_8455del (p.Gln2819fs)

Gene: PCNT (pericentrin; plus strand). Cytogenetic location: 21q22.3.
Variant type: Microsatellite.
Coding change: c.8454_8455del on transcript NM_006031.6 (MANE Select); coding-DNA positions 8454 to 8455, 2 bases deleted (TC; older notation c.8454_8455delTC).
Protein change: p.Gln2819fs; shifts the reading frame from glutamine 2819.
Molecular consequence: frameshift variant.
Genome position (GRCh38, 1-based): chr21:46,431,918-46,431,919, TC deleted; deleting any 2 consecutive bases within chr21:46,431,916-46,431,919 gives the same sequence; the c. name uses the placement nearest the transcript's 3' end. VCF-style (leftmost placement, unchanged base first): chr21-46431915-TTC-T. GRCh37 (hg19) VCF-style: chr21-47851829-TTC-T.
Other names: c.8100_8101del, p.Gln2701fs (NM_001315529.2); short protein forms Q2819fs, Q2701fs.
Identifiers: ClinVar variation 2787845 (VCV002787845.3), dbSNP rs2519011688, ClinGen allele CA2655027148.

ClinVar aggregate classification (germline): Pathogenic (1 of 4 stars; one submission).

Submission:

Labcorp Genetics (formerly Invitae), Labcorp
Classification: Pathogenic. Last evaluated: 2023-08-07. Review status: criteria provided, single submitter. Criteria: Invitae Variant Classification Sherloc (09022015). Collection method: clinical testing. Allele origin: germline.
Comment: This sequence change creates a premature translational stop signal (p.Gln2819Alafs*4) in the PCNT gene. It is expected to result in an absent or disrupted protein product. Loss-of-function variants in PCNT are known to be pathogenic (PMID: 18174396, 22821869). This variant is not present in population databases (gnomAD no frequency). This variant has not been reported in the literature in individuals affected with PCNT-related conditions. For these reasons, this variant has been classified as Pathogenic.

Literature cited by the submitters: PubMed 18174396; PubMed 22821869.